The following is an entry in ClinVar:

ClinVar aggregate classification (germline): Uncertain significance. Review status: criteria provided, multiple submitters, no conflicts (2 of 4 stars). 2 submissions from 2 submitters: Uncertain significance (2). Last evaluated 2025-09-01.

Conditions:
Inborn genetic diseases. Identifiers: MedGen C0950123, MeSH D030342.

Allele frequency attached by ClinVar (database versions not stated): ExAC 0.00003.
gnomAD v4.1: 27 of 1,609,984 alleles (0.0017%); highest among the groups gnomAD compares: Middle Eastern, 0.016%; no homozygotes.

Submissions (2):

Ambry Genetics
Classification: Uncertain significance for Inborn genetic diseases. Last evaluated: 2025-09-01. Review status: criteria provided, single submitter. Criteria: Ambry Variant Classification Scheme 2023. Collection method: clinical testing. Allele origin: germline.

Labcorp Genetics (formerly Invitae), Labcorp
Classification: Uncertain significance. Last evaluated: 2022-04-04. Review status: criteria provided, single submitter. Criteria: Invitae Variant Classification Sherloc (09022015). Collection method: clinical testing. Allele origin: germline.
Comment: This sequence change replaces arginine, which is basic and polar, with glutamine, which is neutral and polar, at codon 1078 of the INPPL1 protein (p.Arg1078Gln). This variant is present in population databases (rs750607140, gnomAD 0.01%). This variant has not been reported in the literature in individuals affected with INPPL1-related conditions. Algorithms developed to predict the effect of missense changes on protein structure and function (SIFT, PolyPhen-2, Align-GVGD) all suggest that this variant is likely to be tolerated. In summary, the available evidence is currently insufficient to determine the role of this variant in disease. Therefore, it has been classified as a Variant of Uncertain Significance.

NM_001567.4(INPPL1):c.3233G>A (p.Arg1078Gln)

Gene: INPPL1 (inositol polyphosphate phosphatase like 1; plus strand). Cytogenetic location: 11q13.4.
Variant type: single nucleotide variant.
Coding change: c.3233G>A on transcript NM_001567.4 (MANE Select); coding-DNA position 3233, G replaced by A.
Protein change: p.Arg1078Gln; replaces arginine 1078 with glutamine.
Molecular consequence: missense variant.
Genome position (GRCh38, 1-based): chr11:72,237,477, G>A. VCF-style: chr11-72237477-G-A. GRCh37 (hg19) VCF-style: chr11-71948521-G-A.
Other names: c.3233G>A (NM_001567.3); short protein forms R1078Q.
Identifiers: ClinVar variation 2188112 (VCV002188112.5), dbSNP rs750607140, ClinGen allele CA6170587.